The following is an entry in ClinVar:

NM_001710.6(CFB):c.2201T>A (p.Val734Glu)

Gene: CFB (complement factor B; plus strand). Cytogenetic location: 6p21.33.
Variant type: single nucleotide variant.
Coding change: c.2201T>A on transcript NM_001710.6 (MANE Select); coding-DNA position 2201, T replaced by A.
Protein change: p.Val734Glu; replaces valine 734 with glutamic acid.
Molecular consequence: missense variant.
Genome position (GRCh38, 1-based): chr6:31,951,936, T>A. VCF-style: chr6-31951936-T-A. GRCh37 (hg19) VCF-style: chr6-31919713-T-A.
Other names: short protein forms V734E.
Identifiers: ClinVar variation 3702301 (VCV003702301.2).

ClinVar aggregate classification (germline): Uncertain significance (1 of 4 stars; one submission).

Submission:

Labcorp Genetics (formerly Invitae), Labcorp
Classification: Uncertain significance. Last evaluated: 2024-05-22. Review status: criteria provided, single submitter. Criteria: Invitae Variant Classification Sherloc (09022015). Collection method: clinical testing. Allele origin: germline.
Comment: This sequence change replaces valine, which is neutral and non-polar, with glutamic acid, which is acidic and polar, at codon 734 of the CFB protein (p.Val734Glu). This variant is present in population databases (no rsID available, gnomAD 0.009%). This variant has not been reported in the literature in individuals affected with CFB-related conditions. Advanced modeling of protein sequence and biophysical properties (such as structural, functional, and spatial information, amino acid conservation, physicochemical variation, residue mobility, and thermodynamic stability) performed at Invitae indicates that this missense variant is not expected to disrupt CFB protein function with a negative predictive value of 80%. In summary, the available evidence is currently insufficient to determine the role of this variant in disease. Therefore, it has been classified as a Variant of Uncertain Significance.